The following is an entry in ClinVar:

NM_014384.3(ACAD8):c.782G>A (p.Ser261Asn)

Gene: ACAD8 (acyl-CoA dehydrogenase family member 8; plus strand). Cytogenetic location: 11q25.
Variant type: single nucleotide variant.
Coding change: c.782G>A on transcript NM_014384.3 (MANE Select); coding-DNA position 782, G replaced by A.
Protein change: p.Ser261Asn; replaces serine 261 with asparagine.
Molecular consequence: missense variant.
Genome position (GRCh38, 1-based): chr11:134,261,120, G>A. VCF-style: chr11-134261120-G-A. GRCh37 (hg19) VCF-style: chr11-134131014-G-A.
Other names: short protein forms S261N.
Identifiers: ClinVar variation 1347962 (VCV001347962.8), dbSNP rs2136082301, ClinGen allele CA383516801.
Genomic context (GRCh38, chr11:134,261,120, plus strand): 5'-AGCCAACACGAGCTGTGATCTTCGAAGACTGTGCTGTCCCTGTGGCCAACAGAATTGGGA[G>A]CGAGGGGCAGGGCTTCCTCATTGCCGTGAGAGGACTGAACGGAGGGAGGATCAATATTGG-3'
Protein context (NP_055199.1, residues 251-271): CAVPVANRIG[Ser261Asn]EGQGFLIAVR

ClinVar aggregate classification (germline): Uncertain significance (1 of 4 stars; one submission).

Conditions:
Deficiency of isobutyryl-CoA dehydrogenase. Also called: ACAD8 DEFICIENCY; IBD DEFICIENCY; ACYL-CoA DEHYDROGENASE FAMILY, MEMBER 8, DEFICIENCY OF. Identifiers: Orphanet 79159, MedGen C1969809, MONDO:0012648, OMIM 611283.

gnomAD v4.1: 1 of 1,611,834 alleles (0.000062%); no homozygotes.

Submission:

Labcorp Genetics (formerly Invitae), Labcorp
Classification: Uncertain significance for Deficiency of isobutyryl-CoA dehydrogenase. Last evaluated: 2021-03-04. Review status: criteria provided, single submitter. Criteria: Invitae Variant Classification Sherloc (09022015). Collection method: clinical testing. Allele origin: germline.
Comment: This sequence change replaces serine with asparagine at codon 261 of the ACAD8 protein (p.Ser261Asn). The serine residue is weakly conserved and there is a small physicochemical difference between serine and asparagine. This variant is not present in population databases (ExAC no frequency). This variant has not been reported in the literature in individuals with ACAD8-related conditions. Advanced modeling of protein sequence and biophysical properties (such as structural, functional, and spatial information, amino acid conservation, physicochemical variation, residue mobility, and thermodynamic stability) performed at Invitae indicates that this missense variant is not expected to disrupt ACAD8 protein function. In summary, the available evidence is currently insufficient to determine the role of this variant in disease. Therefore, it has been classified as a Variant of Uncertain Significance.